The following is an entry in ClinVar:

NM_001871.3(CPB1):c.694T>C (p.Phe232Leu)

Gene: CPB1 (carboxypeptidase B1; plus strand). Cytogenetic location: 3q24.
Variant type: single nucleotide variant.
Coding change: c.694T>C on transcript NM_001871.3 (MANE Select); coding-DNA position 694, T replaced by C.
Protein change: p.Phe232Leu; replaces phenylalanine 232 with leucine.
Molecular consequence: missense variant.
Genome position (GRCh38, 1-based): chr3:148,844,683, T>C. VCF-style: chr3-148844683-T-C. GRCh37 (hg19) VCF-style: chr3-148562470-T-C.
Other names: short protein forms F232L.
Identifiers: ClinVar variation 3037614 (VCV003037614.2), dbSNP rs73866671, ClinGen allele CA2657736.
Genomic context (GRCh38, chr3:148,844,683, plus strand): 5'-TTAAAACCAACGCCTCTCTATTATATTTGTCCTAACTATGTAGTCCACTTTCAGAGCCGA[T>C]TTTGGAGAAAGACTCGCTCCACCCATACTGGATCTAGCTGCATTGGCACAGACCCCAACA-3'
Protein context (NP_001862.2, residues 222-242): GYIYTWTKSR[Phe232Leu]WRKTRSTHTG

ClinVar aggregate classification (germline): Benign (0 of 4 stars; one submission).

Conditions:
CPB1-related disorder. Also called: CPB1-related condition.

Allele frequency attached by ClinVar (database versions not stated): gnomAD exomes 0.00514; ESP Exome Variant Server 0.00546; gnomAD 0.00839; TOPMed 0.01180; ExAC 0.01218; 1000 Genomes Project 0.01558; 1000 Genomes Project 30x 0.01655.
gnomAD v4.1: 8,850 of 1,613,906 alleles (0.55%); highest among the groups gnomAD compares: Admixed American, 5%; 127 homozygotes.

Submission:

PreventionGenetics, part of Exact Sciences
Classification: Benign for CPB1-related condition. Last evaluated: 2019-02-26. Review status: no assertion criteria provided. Collection method: clinical testing. Allele origin: germline.
Comment: This variant is classified as benign based on ACMG/AMP sequence variant interpretation guidelines (Richards et al. 2015 PMID: 25741868, with internal and published modifications).